The following is an entry in ClinVar:

NM_000371.4(TTR):c.13C>T (p.Arg5Cys)

Gene: TTR (transthyretin; plus strand). Cytogenetic location: 18q12.1.
Variant type: single nucleotide variant.
Coding change: c.13C>T on transcript NM_000371.4 (MANE Select); coding-DNA position 13, C replaced by T.
Protein change: p.Arg5Cys; replaces arginine 5 with cysteine.
Molecular consequence: missense variant.
Genome position (GRCh38, 1-based): chr18:31,591,915, C>T. VCF-style: chr18-31591915-C-T. GRCh37 (hg19) VCF-style: chr18-29171878-C-T.
Other names: short protein forms R5C.
Identifiers: ClinVar variation 940630 (VCV000940630.11), dbSNP rs144792001, ClinGen allele CA8928376.

ClinVar aggregate classification (germline): Uncertain significance. Review status: criteria provided, multiple submitters, no conflicts (2 of 4 stars). 3 submissions from 3 submitters: Uncertain significance (3). Last evaluated 2023-02-10.

Conditions:
Amyloidosis, hereditary systemic 1 (AMYLD1). Also called: Familial amyloid polyneuropathy; Transthyretin Amyloidosis; Amyloid Cardiomyopathy, Transthyretin-related; Hereditary oculoleptomeningeal amyloid angiopathy; Familial Transthyretin Amyloidosis; AMYLOID CARDIOMYOPATHY. Identifiers: Orphanet 85447, Orphanet 85451, MedGen C2751492, MONDO:0971004, OMIM 105210.
Cardiovascular phenotype. Identifiers: MedGen CN230736.
Hyperthyroxinemia, dystransthyretinemic. Also called: HYPERTHYROXINEMIA, DYSPREALBUMINEMIC; EUTHRYROIDAL HYPERTHYROXINEMIA 2. Identifiers: MedGen C2750824, MONDO:0007785, OMIM 145680.
Carpal tunnel syndrome 1 (CTS1). Also called: Carpal tunnel syndrome, familial. Identifiers: MedGen C5779776, MONDO:0020730, OMIM 115430.

Allele frequency attached by ClinVar (database versions not stated): ExAC 0.00001; gnomAD exomes 0.00001; TOPMed 0.00002; gnomAD 0.00005; ESP Exome Variant Server 0.00015.

Submissions (3):

Labcorp Genetics (formerly Invitae), Labcorp
Classification: Uncertain significance for Amyloidosis, hereditary systemic 1. Last evaluated: 2023-02-10. Review status: criteria provided, single submitter. Criteria: Invitae Variant Classification Sherloc (09022015). Collection method: clinical testing. Allele origin: germline.
Comment: This sequence change replaces arginine, which is basic and polar, with cysteine, which is neutral and slightly polar, at codon 5 of the TTR protein (p.Arg5Cys). This variant is present in population databases (rs144792001, gnomAD 0.008%). This variant has not been reported in the literature in individuals affected with TTR-related conditions. ClinVar contains an entry for this variant (Variation ID: 940630). An algorithm developed to predict the effect of missense changes on protein structure and function (PolyPhen-2) suggests that this variant¬† is likely to be tolerated. In summary, the available evidence is currently insufficient to determine the role of this variant in disease. Therefore, it has been classified as a Variant of Uncertain Significance.

Ambry Genetics
Classification: Uncertain significance for Cardiovascular phenotype. Last evaluated: 2022-01-11. Review status: criteria provided, single submitter. Criteria: Ambry Variant Classification Scheme 2023. Collection method: clinical testing. Allele origin: germline.
Comment: The p.R5C variant (also known as c.13C>T), located in coding exon 1 of the TTR gene, results from a C to T substitution at nucleotide position 13. The arginine at codon 5 is replaced by cysteine, an amino acid with highly dissimilar properties. This amino acid position is not well conserved in available vertebrate species. In addition, the in silico prediction for this alteration is inconclusive. Since supporting evidence is limited at this time, the clinical significance of this alteration remains unclear.

Fulgent Genetics
Classification: Uncertain significance for Amyloidosis, hereditary systemic 1; Carpal tunnel syndrome 1; Hyperthyroxinemia, dystransthyretinemic. Last evaluated: 2021-09-23. Review status: criteria provided, single submitter. Criteria: ACMG Guidelines, 2015. Collection method: clinical testing. Allele origin: unknown.

Literature cited by the submitters: PubMed 32674397 (cited by Ambry Genetics).